The following is an entry in ClinVar:

ClinVar aggregate classification (germline): Likely pathogenic. Review status: reviewed by expert panel (3 of 4 stars). 8 submissions from 6 submitters: Likely pathogenic (1). 7 of the submissions do not count toward it. Last evaluated 2024-01-23.

Conditions:
Histiocytic medullary reticulosis. Also called: SEVERE COMBINED IMMUNODEFICIENCY WITH HYPEREOSINOPHILIA; Omenn syndrome. Identifiers: Orphanet 39041, MedGen C2700553, MONDO:0011338, OMIM 603554.
Severe combined immunodeficiency due to DCLRE1C deficiency (RS-SCID). Also called: SCID, AUTOSOMAL RECESSIVE, T CELL-NEGATIVE, B CELL-NEGATIVE, NK CELL-POSITIVE, WITH SENSITIVITY TO IONIZING RADIATION. Identifiers: Orphanet 275, MedGen C1865371, MONDO:0011225, OMIM 602450.
Aicardi-Goutieres syndrome 1. Also called: CREE ENCEPHALITIS; ENCEPHALOPATHY, FAMILIAL INFANTILE, WITH INTRACRANIAL CALCIFICATION AND CHRONIC CEREBROSPINAL FLUID LYMPHOCYTOSIS; PSEUDOTOXOPLASMOSIS SYNDROME. Identifiers: Orphanet 51, MedGen C0796126, MONDO:0009165, OMIM 225750.
DCLRE1C-related disorder. Also called: DCLRE1C-related condition.
Severe combined immunodeficiency disease. Also called: Severe combined immunodeficiency; Severe Combined Immune Deficiency. Identifiers: Orphanet 183660, MedGen C0085110, MeSH D016511, MONDO:0015974, HP:0004430. Inheritance: X-Linked or Autosomal recessive.
Ehlers-Danlos syndrome, kyphoscoliotic type 1 (EDSKSCL1). Also called: EHLERS-DANLOS SYNDROME, TYPE VIA; PLOD1-Related Kyphoscoliotic Ehlers-Danlos Syndrome; Ehlers-Danlos syndrome, hydroxylysine-deficient; EHLERS-DANLOS SYNDROME, OCULAR-SCOLIOTIC TYPE. Identifiers: Orphanet 1900, MedGen C0268342, MONDO:0016002, OMIM 225400. Disease mechanism: loss of function.

Allele frequency attached by ClinVar (database versions not stated): TOPMed below 0.00001.
gnomAD v4.1: 3 of 1,614,024 alleles (0.00019%); highest among the groups gnomAD compares: Non-Finnish European, 0.00017%; no homozygotes.

Submissions (8):

ClinGen Severe Combined Immunodeficiency Variant Curation Expert Panel, ClinGen
Classification: Likely pathogenic for Severe combined immunodeficiency due to DCLRE1C deficiency. Last evaluated: 2024-01-23. Review status: reviewed by expert panel. Criteria: ClinGen SCID ACMG Specifications DCLRE1C V1.0.0. Collection method: curation. Allele origin: germline. Inheritance: Autosomal recessive inheritance.
Comment: The c.95C>T (NM_001033855.3) variant in DCLRE1C is a missense variant predicted to cause substitution of Serine by Phenylalanine at amino acid 32 (p.Ser32Phe). The filtering allele frequency (the upper threshold of the 95% CI of 2/1111892 alleles) of the c.95C>T variant in DCLRE1C is 0.0000003 for European (non-Finnish) chromosomes by gnomAD v4, which is lower than the ClinGen SCID VCEP threshold (<0.00003266) for PM2_Supporting, and therefore meets this criterion (PM2_Supporting). At least one patient in the literature presents: Diagnostic criteria for SCID/Leaky SCID/Omenn syndrome met 0.5 pts + T-B-NK+ lymphocyte subset profile 0.5 pts, total 1 pt; Which is highly specific for SCID. PP4_Supporting (PMIDs: 18223550 and 25917813 - same patient). The proband is compound heterozygous, in trans, for del Ex1-3 (at least LP according to our SCID VCEP specifications;) 1 point, PM3_Moderate. (PMID: 25917813). Activity levels in % of WT activity = Recombination: Mean (SD): 5.14 (0.34) and DNA repair (36h after IR): Mean (SD): 20.95 (6.17). Both values are lower than our established threshold for abnormal results (defined as <25% of wild-type activity). Thus, PS3 is Met at a moderate level(PMID: 25917813). In summary, this variant is classified as a Likely Pathogenic for autosomal recessive SCID based on ACMG/AMP criteria applied, as specified by the ClinGen SCID VCEP (specification version 1.0): PM2_Supporting, PP4_Supporting, PM3_Moderate, and PS3_Moderate.

Labcorp Genetics (formerly Invitae), Labcorp
Classification: Likely pathogenic for Athabaskan severe combined immunodeficiency. Last evaluated: 2025-08-15. Review status: criteria provided, single submitter. Criteria: Invitae Variant Classification Sherloc (09022015). Collection method: clinical testing. Allele origin: germline. Not counted in ClinVar's aggregate classification.
Comment: This sequence change replaces serine, which is neutral and polar, with phenylalanine, which is neutral and non-polar, at codon 32 of the DCLRE1C protein (p.Ser32Phe). This variant is not present in population databases (gnomAD no frequency). This missense change has been observed in individual(s) with severe combined immunodeficiency (PMID: 18223550). In at least one individual the data is consistent with being in trans (on the opposite chromosome) from a pathogenic variant. This variant is also known as C133T. ClinVar contains an entry for this variant (Variation ID: 1438811). An algorithm developed to predict the effect of missense changes on protein structure and function (PolyPhen-2) suggests that this variant is likely to be disruptive. Experimental studies have shown that this missense change affects DCLRE1C function (PMID: 25917813). This variant disrupts the p.Ser32 amino acid residue in DCLRE1C. Other variant(s) that disrupt this residue have been determined to be pathogenic (PMID: 15242402, 25917813, 35886058; internal data). This suggests that this residue is clinically significant, and that variants that disrupt this residue are likely to be disease-causing. In summary, the currently available evidence indicates that the variant is pathogenic, but additional data are needed to prove that conclusively. Therefore, this variant has been classified as Likely Pathogenic.

Women's Health and Genetics/Laboratory Corporation of America, LabCorp
Classification: Likely pathogenic for Ehlers-Danlos syndrome, kyphoscoliotic type 1. Last evaluated: 2024-03-14. Review status: criteria provided, single submitter. Criteria: LabCorp Variant Classification Summary - May 2015. Collection method: clinical testing. Allele origin: germline. Not counted in ClinVar's aggregate classification.

Women's Health and Genetics/Laboratory Corporation of America, LabCorp
Classification: Likely pathogenic for Aicardi-Goutieres syndrome 1. Last evaluated: 2024-03-14. Review status: criteria provided, single submitter. Criteria: LabCorp Variant Classification Summary - May 2015. Collection method: clinical testing. Allele origin: germline. Not counted in ClinVar's aggregate classification.
Comment: Variant summary: TREX1 c.95C>T (p.Thr32Met) results in a non-conservative amino acid change located in the Exonuclease, RNase T/DNA polymerase III domain (IPR013520) of the encoded protein sequence. Five of five in-silico tools predict a damaging effect of the variant on protein function. The variant allele was found at a frequency of 2e-05 in 251328 control chromosomes. The available data on variant occurrences in the general population are insufficient to allow any conclusion about variant significance. c.95C>T has been reported in the literature in at-least one individual affected with early onset high myopia (eoHM) who underwent exome sequencing (eoHM) (example, Zhou_2018). These report(s) do not provide unequivocal conclusions about association of the variant with Aicardi Goutieres Syndrome 1. To our knowledge, no experimental evidence demonstrating an impact on protein function has been reported. One clinical diagnostic laboratory has submitted clinical-significance assessments for this variant to ClinVar after 2014 without evidence for independent evaluation and classified the variant as uncertain significance. Based on the evidence outlined above, the variant was classified as uncertain significance.

Women's Health and Genetics/Laboratory Corporation of America, LabCorp
Classification: Likely pathogenic for Severe combined immunodeficiency disease. Last evaluated: 2024-03-14. Review status: criteria provided, single submitter. Criteria: LabCorp Variant Classification Summary - May 2015. Collection method: clinical testing. Allele origin: germline. Not counted in ClinVar's aggregate classification.
Comment: Variant summary: DCLRE1C c.95C>T (p.Ser32Phe) results in a non-conservative amino acid change in the encoded protein sequence. Five of five in-silico tools predict a damaging effect of the variant on protein function. The variant was absent in 250754 control chromosomes (gnomAD). c.95C>T has been reported in the literature in at least one compound heterozygous individual affected with Severe Combined Immunodeficiency (Lagresle-Peyrou_2008, Felgentreff_2015) who carried a (likely) pathogenic variant in trans. At least one publication reported experimental evidence evaluating an impact on protein function, and demonstrated that the variant resulted in recombination activity ~5% and DNA repair activity ~21% of wild-type (Felgentreff_2015). In addition, a different missense affecting the same amino acid (p.S32C) has been reported in affected individuals (HGMD), indicating a functional importance for the Ser32 amino acid residue. The following publications have been ascertained in the context of this evaluation (PMID: 18223550, 25917813). ClinVar contains an entry for this variant (Variation ID: 1438811). Based on the evidence outlined above, the variant was classified as likely pathogenic.

Fulgent Genetics
Classification: Likely pathogenic for Severe combined immunodeficiency due to DCLRE1C deficiency; Histiocytic medullary reticulosis. Last evaluated: 2024-03-12. Review status: criteria provided, single submitter. Criteria: ACMG Guidelines, 2015. Collection method: clinical testing. Allele origin: germline. Not counted in ClinVar's aggregate classification.

Baylor Genetics
Classification: Likely pathogenic for Histiocytic medullary reticulosis. Last evaluated: 2024-02-23. Review status: criteria provided, single submitter. Criteria: ACMG Guidelines, 2015. Collection method: clinical testing. Allele origin: unknown. Not counted in ClinVar's aggregate classification.

Blueprint Genetics
Classification: Likely pathogenic for DCLRE1C-related disorders. Last evaluated: 2021-06-11. Review status: criteria provided, single submitter. Criteria: ACMG Guidelines, 2015. Collection method: clinical testing. Allele origin: germline. Affected: yes. Observed: 1 variant allele. Not counted in ClinVar's aggregate classification.

Literature cited by the submitters: PubMed 18223550 (cited by Labcorp Genetics (formerly Invitae), Labcorp and Women's Health and Genetics/Laboratory Corporation of America, LabCorp); PubMed 25917813 (cited by Labcorp Genetics (formerly Invitae), Labcorp and Women's Health and Genetics/Laboratory Corporation of America, LabCorp); PubMed 15242402 (cited by Labcorp Genetics (formerly Invitae), Labcorp); PubMed 35886058 (cited by Labcorp Genetics (formerly Invitae), Labcorp).

NM_001033855.3(DCLRE1C):c.95C>T (p.Ser32Phe)

Gene: DCLRE1C (DNA cross-link repair 1C; minus strand). Cytogenetic location: 10p13.
Variant type: single nucleotide variant.
Coding change: c.95C>T on transcript NM_001033855.3 (MANE Select); coding-DNA position 95, C replaced by T.
Protein change: p.Ser32Phe; replaces serine 32 with phenylalanine.
Molecular consequence: missense variant. On other transcripts: 5 prime UTR variant (9), non-coding transcript variant (4).
Genome position (GRCh38, 1-based): chr10:14,953,916, G>A on the plus strand (C>T on the coding strand, the complement: DCLRE1C is on the minus strand). VCF-style: chr10-14953916-G-A. GRCh37 (hg19) VCF-style: chr10-14995915-G-A.
Other names: NM_001033855.3(DCLRE1C):c.95C>T; p.Ser32Phe; c.-351C>T (NM_001033857.3, NM_001350967.2); c.-673C>T (NM_001033858.3); c.-110C>T (NM_001289076.2); c.-397C>T (NM_001289077.2); c.-143C>T (NM_001289078.2, NM_001350966.2); c.-719C>T (NM_001289079.2); and 2 more; short protein forms S32F.
Identifiers: ClinVar variation 1438811 (VCV001438811.12), dbSNP rs969498121, ClinGen allele CA203404964.